The following is an entry in ClinVar:

ClinVar aggregate classification (germline): Uncertain significance. Review status: criteria provided, single submitter (1 of 4 stars). 2 submissions from 2 submitters: Uncertain significance (1). 1 of the submissions does not count toward it. Last evaluated 2022-08-16.

Conditions:
Joubert syndrome. Also called: CEREBELLOPARENCHYMAL DISORDER IV; JOUBERT-BOLTSHAUSER SYNDROME; Familial aplasia of the vermis. Identifiers: Orphanet 475, MedGen C5979921, MONDO:0018772.
Meckel-Gruber syndrome. Also called: DYSENCEPHALIA SPLANCHNOCYSTICA; GRUBER SYNDROME; Dysencephalia splachnocystica. Identifiers: Orphanet 564, MedGen C0265215, MONDO:0018921.

Allele frequency attached by ClinVar (database versions not stated): TOPMed 0.00001; ESP Exome Variant Server 0.00008; gnomAD 0.00001.
gnomAD v4.1: 2 of 1,613,948 alleles (0.00012%); highest among the groups gnomAD compares: African/African-American, 0.0027%; no homozygotes.

Submissions (2):

Labcorp Genetics (formerly Invitae), Labcorp
Classification: Uncertain significance for Joubert syndrome; Meckel-Gruber syndrome. Last evaluated: 2022-08-16. Review status: criteria provided, single submitter. Criteria: Invitae Variant Classification Sherloc (09022015). Collection method: clinical testing. Allele origin: germline.
Comment: In summary, the available evidence is currently insufficient to determine the role of this variant in disease. Therefore, it has been classified as a Variant of Uncertain Significance. Algorithms developed to predict the effect of missense changes on protein structure and function are either unavailable or do not agree on the potential impact of this missense change (SIFT: "Tolerated"; PolyPhen-2: "Probably Damaging"; Align-GVGD: "Class C0"). ClinVar contains an entry for this variant (Variation ID: 1351926). This variant has not been reported in the literature in individuals affected with RPGRIP1L-related conditions. This variant is not present in population databases (gnomAD no frequency). This sequence change replaces lysine, which is basic and polar, with asparagine, which is neutral and polar, at codon 857 of the RPGRIP1L protein (p.Lys857Asn).

Natera, Inc.
Classification: Uncertain significance for Joubert syndrome. Last evaluated: 2025-02-11. Review status: no assertion criteria provided. Collection method: clinical testing. Allele origin: germline. Not counted in ClinVar's aggregate classification.

NM_015272.5(RPGRIP1L):c.2571G>C (p.Lys857Asn)

Gene: RPGRIP1L (RPGRIP1 like; minus strand). Cytogenetic location: 16q12.2.
Variant type: single nucleotide variant.
Coding change: c.2571G>C on transcript NM_015272.5 (MANE Select); coding-DNA position 2571, G replaced by C.
Protein change: p.Lys857Asn; replaces lysine 857 with asparagine.
Molecular consequence: missense variant.
Genome position (GRCh38, 1-based): chr16:53,645,737, C>G on the plus strand (G>C on the coding strand, the complement: RPGRIP1L is on the minus strand). VCF-style: chr16-53645737-C-G. GRCh37 (hg19) VCF-style: chr16-53679649-C-G.
Other names: c.2571G>C, p.Lys857Asn (NM_001127897.4, NM_001308334.3, NM_001330538.2); c.2571G>C (NM_015272.4); short protein forms K857N.
Identifiers: ClinVar variation 1351926 (VCV001351926.7), dbSNP rs149833407, ClinGen allele CA281339101.